The following is an entry in ClinVar:

ClinVar aggregate classification (germline): Uncertain significance (1 of 4 stars; one submission).

Submission:

GeneDx
Classification: Uncertain significance. Last evaluated: 2022-08-31. Review status: criteria provided, single submitter. Criteria: GeneDx Variant Classification Process June 2021. Collection method: clinical testing. Allele origin: germline. Affected: yes.
Comment: Not observed at significant frequency in large population cohorts (gnomAD); In silico analysis supports that this missense variant has a deleterious effect on protein structure/function; Has not been previously published as pathogenic or benign to our knowledge

NM_006005.3(WFS1):c.2135T>G (p.Ile712Ser)

Gene: WFS1 (wolframin ER transmembrane glycoprotein; plus strand). Cytogenetic location: 4p16.1.
Variant type: single nucleotide variant.
Coding change: c.2135T>G on transcript NM_006005.3 (MANE Select); coding-DNA position 2135, T replaced by G.
Protein change: p.Ile712Ser; replaces isoleucine 712 with serine.
Molecular consequence: missense variant.
Genome position (GRCh38, 1-based): chr4:6,301,930, T>G. VCF-style: chr4-6301930-T-G. GRCh37 (hg19) VCF-style: chr4-6303657-T-G.
Other names: c.2135T>G, p.Ile712Ser (NM_001145853.1); short protein forms I712S.
Identifiers: ClinVar variation 2442670 (VCV002442670.1), dbSNP rs1730943627, ClinGen allele CA356177835.